The following is an entry in ClinVar:

NM_001211.6(BUB1B):c.3113T>C (p.Val1038Ala)

Genes: BUB1B (BUB1 mitotic checkpoint serine/threonine kinase B; plus strand), BUB1B-PAK6 (BUB1B-PAK6 readthrough; plus strand). Cytogenetic location: 15q15.1.
Variant type: single nucleotide variant.
Coding change: c.3113T>C on transcript NM_001211.6 (MANE Select); coding-DNA position 3113, T replaced by C.
Protein change: p.Val1038Ala; replaces valine 1038 with alanine.
Molecular consequence: missense variant. On other transcripts: intron variant (2).
Genome position (GRCh38, 1-based): chr15:40,220,719, T>C. VCF-style: chr15-40220719-T-C. GRCh37 (hg19) VCF-style: chr15-40512920-T-C.
Other names: c.-201+3052T>C (NM_001128628.3); c.-118+3052T>C (NM_001128629.3); short protein forms V1038A.
Identifiers: ClinVar variation 1057483 (VCV001057483.12), dbSNP rs776542291, ClinGen allele CA7476197.

ClinVar aggregate classification (germline): Uncertain significance. Review status: criteria provided, multiple submitters, no conflicts (2 of 4 stars). 2 submissions from 2 submitters: Uncertain significance (2). Last evaluated 2025-08-30.

Conditions:
Inborn genetic diseases. Identifiers: MedGen C0950123, MeSH D030342.
Mosaic variegated aneuploidy syndrome 1 (MVA1). Also called: Warburton-Anyane-Yeboa syndrome. Identifiers: Orphanet 1052, MedGen C1850343, MONDO:0009759, OMIM 257300.

Allele frequency attached by ClinVar (database versions not stated): gnomAD exomes below 0.00001 and 0.00001; ExAC 0.00001; gnomAD 0.00002; TOPMed 0.00006.
gnomAD v4.1: 6 of 1,614,018 alleles (0.00037%); highest among the groups gnomAD compares: African/African-American, 0.0067%; no homozygotes.

Submissions (2):

Ambry Genetics
Classification: Uncertain significance for Inborn genetic diseases. Last evaluated: 2025-08-30. Review status: criteria provided, single submitter. Criteria: Ambry Variant Classification Scheme 2023. Collection method: clinical testing. Allele origin: germline.

Labcorp Genetics (formerly Invitae), Labcorp
Classification: Uncertain significance for Mosaic variegated aneuploidy syndrome 1. Last evaluated: 2024-11-22. Review status: criteria provided, single submitter. Criteria: Invitae Variant Classification Sherloc (09022015). Collection method: clinical testing. Allele origin: germline.
Comment: This sequence change replaces valine, which is neutral and non-polar, with alanine, which is neutral and non-polar, at codon 1038 of the BUB1B protein (p.Val1038Ala). This variant is present in population databases (rs776542291, gnomAD 0.01%). This variant has not been reported in the literature in individuals affected with BUB1B-related conditions. ClinVar contains an entry for this variant (Variation ID: 1057483). An algorithm developed to predict the effect of missense changes on protein structure and function (PolyPhen-2) suggests that this variant is likely to be tolerated. Algorithms developed to predict the effect of sequence changes on RNA splicing suggest that this variant may disrupt the consensus splice site. In summary, the available evidence is currently insufficient to determine the role of this variant in disease. Therefore, it has been classified as a Variant of Uncertain Significance.